The following is an entry in ClinVar:

NM_003579.4(RAD54L):c.598C>T (p.Leu200Phe)

Gene: RAD54L (RAD54 like; plus strand). Cytogenetic location: 1p34.1.
Variant type: single nucleotide variant.
Coding change: c.598C>T on transcript NM_003579.4 (MANE Select); coding-DNA position 598, C replaced by T.
Protein change: p.Leu200Phe; replaces leucine 200 with phenylalanine.
Molecular consequence: missense variant.
Genome position (GRCh38, 1-based): chr1:46,260,847, C>T. VCF-style: chr1-46260847-C-T. GRCh37 (hg19) VCF-style: chr1-46726519-C-T.
Other names: c.598C>T, p.Leu200Phe (NM_001142548.2); c.58C>T, p.Leu20Phe (NM_001370766.1); short protein forms L200F, L20F.
Identifiers: ClinVar variation 1750881 (VCV001750881.2), dbSNP rs1660094403, ClinGen allele CA340186450.

ClinVar aggregate classification (germline): Uncertain significance (1 of 4 stars; one submission).

Allele frequency attached by ClinVar (database versions not stated): gnomAD exomes below 0.00001; TOPMed 0.00001.

Submission:

Ambry Genetics
Classification: Uncertain significance. Last evaluated: 2023-11-02. Review status: criteria provided, single submitter. Criteria: Ambry Variant Classification Scheme 2023. Collection method: clinical testing. Allele origin: germline.
Comment: The p.L200F variant (also known as c.598C>T), located in coding exon 7 of the RAD54L gene, results from a C to T substitution at nucleotide position 598. The leucine at codon 200 is replaced by phenylalanine, an amino acid with highly similar properties. This amino acid position is conserved. In addition, this alteration is predicted to be deleterious by in silico analysis. Since supporting evidence is limited at this time, the clinical significance of this alteration remains unclear.